The following is an entry in ClinVar:

NM_006904.7(PRKDC):c.5005C>T (p.Pro1669Ser)

Gene: PRKDC (protein kinase, DNA-activated, catalytic subunit; minus strand). Cytogenetic location: 8q11.21.
Variant type: single nucleotide variant.
Coding change: c.5005C>T on transcript NM_006904.7 (MANE Select); coding-DNA position 5005, C replaced by T.
Protein change: p.Pro1669Ser; replaces proline 1669 with serine.
Molecular consequence: missense variant.
Genome position (GRCh38, 1-based): chr8:47,881,478, G>A on the plus strand (C>T on the coding strand, the complement: PRKDC is on the minus strand). VCF-style: chr8-47881478-G-A. GRCh37 (hg19) VCF-style: chr8-48794039-G-A.
Other names: c.5005C>T, p.Pro1669Ser (NM_001081640.2); short protein forms P1669S.
Identifiers: ClinVar variation 3225867 (VCV003225867.1), dbSNP rs2551872555, ClinGen allele CA371139965.
Genomic context (GRCh38, chr8:47,881,478, plus strand): 5'-TTAAATGTAGATCCAGCTTTGTGTCAGCAAGTAGACTAATATATGTTGTAAAGACTTCAG[G>A]GAATGAACCATGACTTGTATTAAAAGATACAGATGAATCAATCTAAAGGAAGGAAAAGAA-3'
Protein context (NP_008835.5, residues 1659-1679): VSFNTSHGSF[Pro1669Ser]EVFTTYISLL

ClinVar aggregate classification (germline): Uncertain significance (1 of 4 stars; one submission).

Submission:

Ambry Genetics
Classification: Uncertain significance. Last evaluated: 2023-10-19. Review status: criteria provided, single submitter. Criteria: Ambry Variant Classification Scheme 2023. Collection method: clinical testing. Allele origin: germline.
Comment: The p.P1669S variant (also known as c.5005C>T), located in coding exon 38 of the PRKDC gene, results from a C to T substitution at nucleotide position 5005. The proline at codon 1669 is replaced by serine, an amino acid with similar properties. This amino acid position is conserved. In addition, the in silico prediction for this alteration is inconclusive. Since supporting evidence is limited at this time, the clinical significance of this alteration remains unclear.